The following is an entry in ClinVar:

ClinVar aggregate classification (germline): Uncertain significance (1 of 4 stars; one submission).

Conditions:
Aicardi-Goutieres syndrome 3. Identifiers: Orphanet 51, MedGen C1835916, MONDO:0012471, OMIM 610329.

Allele frequency attached by ClinVar (database versions not stated): gnomAD exomes below 0.00001.

Submission:

Victorian Clinical Genetics Services, Murdoch Childrens Research Institute
Classification: Uncertain significance for Aicardi-Goutieres syndrome 3. Last evaluated: 2021-05-06. Review status: criteria provided, single submitter. Criteria: ACMG Guidelines, 2015. Collection method: clinical testing. Allele origin: germline. Inheritance: Autosomal recessive inheritance.
Comment: Based on the classification scheme VCGS_Germline_v1.3.4, this variant is classified as VUS-3B. Following criteria are met: 0102 - Loss of function is a known mechanism of disease in this gene and is associated with Aicardi-Goutieres syndrome 3 (MIM#610329). (I) 0106 - This gene is associated with autosomal recessive disease. (I) 0200 - Variant is predicted to result in a missense amino acid change from glutamic acid to glycine. (I) 0251 - This variant is heterozygous. (I) 0301 - Variant is absent from gnomAD (both v2 and v3). (SP) 0501 - Missense variant consistently predicted to be damaging by multiple in silico tools or highly conserved with a major amino acid change. (SP) 0600 - Variant is located in the annotated ribonuclease H2 non-catalytic subunit domain (NCBI). (I) 0705 - No comparable missense variants have previous evidence for pathogenicity. (I) 0807 - This variant has no previous evidence of pathogenicity. (I) 0905 - No published segregation evidence has been identified for this variant. (I) 1007 - No published functional evidence has been identified for this variant. (I) 1208 - Inheritance information for this variant is not currently available in this individual. (I) Legend: (SP) - Supporting pathogenic, (I) - Information, (SB) - Supporting benign

NM_032193.4(RNASEH2C):c.404A>G (p.Glu135Gly)

Gene: RNASEH2C (ribonuclease H2 subunit C; minus strand). Cytogenetic location: 11q13.1.
Variant type: single nucleotide variant.
Coding change: c.404A>G on transcript NM_032193.4 (MANE Select); coding-DNA position 404, A replaced by G.
Protein change: p.Glu135Gly; replaces glutamic acid 135 with glycine.
Molecular consequence: missense variant.
Genome position (GRCh38, 1-based): chr11:65,720,109, T>C on the plus strand (A>G on the coding strand, the complement: RNASEH2C is on the minus strand). VCF-style: chr11-65720109-T-C. GRCh37 (hg19) VCF-style: chr11-65487580-T-C.
Other names: short protein forms E135G.
Identifiers: ClinVar variation 1806210 (VCV001806210.1), dbSNP rs2495309228, ClinGen allele CA381297789.